The following is an entry in ClinVar:

ClinVar aggregate classification (germline): Conflicting classifications of pathogenicity. Review status: criteria provided, conflicting classifications (1 of 4 stars). 4 submissions from 4 submitters: Uncertain significance (1); Benign (2); Likely benign (1). Last evaluated 2026-09-19.

Conditions:
Idiopathic generalized epilepsy. Also called: Generalised epilepsy; EIG. Identifiers: MedGen C0270850, MONDO:0005579, OMIM 600669.
Hyperaldosteronism, familial, type IV (HALD4). Also called: FH IV; ALDOSTERONISM, PRIMARY, AND HYPERTENSION. Identifiers: Orphanet 642671, MedGen C4310756, MONDO:0014875, OMIM 617027.

Allele frequency attached by ClinVar (database versions not stated): gnomAD 0.00027 and 0.00026; gnomAD exomes 0.00028 and 0.00040; TOPMed 0.00030; ESP Exome Variant Server 0.00031; ExAC 0.00058.
gnomAD v4.1: 453 of 1,607,818 alleles (0.028%); highest among the groups gnomAD compares: Middle Eastern, 0.051%; no homozygotes.

Submissions (4):

GeneDx
Classification: Uncertain significance. Last evaluated: 2026-09-19. Review status: criteria provided, single submitter. Criteria: GeneDx Variant Classification Process June 2021. Collection method: clinical testing. Allele origin: germline.
Comment: Identified with a second CACNA1H variant in a patient with a neurodevelopmental disorder in the published literature; this patient harbored a variant in a different gene that may be causative for their phenotype (PMID: 40108438); In silico analysis supports that this missense variant has a deleterious effect on protein structure/function; This variant is associated with the following publications: (PMID: 40108438)

Labcorp Genetics (formerly Invitae), Labcorp
Classification: Benign for Idiopathic generalized epilepsy; Hyperaldosteronism, familial, type IV. Last evaluated: 2026-02-02. Review status: criteria provided, single submitter. Criteria: Invitae Variant Classification Sherloc (09022015). Collection method: clinical testing. Allele origin: germline.

Blueprint Genetics
Classification: Likely benign. Last evaluated: 2024-11-23. Review status: criteria provided, single submitter. Criteria: ACMG Guidelines, 2015. Collection method: clinical testing. Allele origin: germline.

Breakthrough Genomics
Classification: Benign. Review status: criteria provided, single submitter. Criteria: ACMG Guidelines, 2015. Collection method: not provided. Allele origin: germline. Inheritance: Autosomal dominant inheritance. Affected: yes.

NM_021098.3(CACNA1H):c.1310G>A (p.Arg437Gln)

Gene: CACNA1H (calcium voltage-gated channel subunit alpha1 H; plus strand). Cytogenetic location: 16p13.3.
Variant type: single nucleotide variant.
Coding change: c.1310G>A on transcript NM_021098.3 (MANE Select); coding-DNA position 1310, G replaced by A.
Protein change: p.Arg437Gln; replaces arginine 437 with glutamine.
Molecular consequence: missense variant.
Genome position (GRCh38, 1-based): chr16:1,201,760, G>A. VCF-style: chr16-1201760-G-A. GRCh37 (hg19) VCF-style: chr16-1251760-G-A.
Other names: c.1310G>A, p.Arg437Gln (NM_001005407.2); c.1310G>A (NM_021098.2); short protein forms R437Q.
Identifiers: ClinVar variation 1170092 (VCV001170092.13), dbSNP rs59461207, ClinGen allele CA7799907.